The following is an entry in ClinVar:

ClinVar aggregate classification (germline): Uncertain significance. Review status: criteria provided, multiple submitters, no conflicts (2 of 4 stars). 2 submissions from 2 submitters: Uncertain significance (2). Last evaluated 2024-10-21.

Conditions:
Autoinflammation-PLCG2-associated antibody deficiency-immune dysregulation. Also called: Autoinflammation, antibody deficiency, and immune dysregulation, plcg2-associated; AUTOINFLAMMATION, ANTIBODY DEFICIENCY, AND IMMUNE DYSREGULATION; Autoinflammation, antibody deficiency, and immune dysregulation syndrome. Identifiers: Orphanet 324530, MedGen C3553961, MONDO:0013944, OMIM 614878.
Familial cold autoinflammatory syndrome 3 (FCAS3). Also called: ANTIBODY DEFICIENCY AND IMMUNE DYSREGULATION, PLCG2-ASSOCIATED; FAMILIAL ATYPICAL COLD URTICARIA. Identifiers: Orphanet 300359, MedGen C3280914, MONDO:0013766, OMIM 614468.

Submissions (2):

Labcorp Genetics (formerly Invitae), Labcorp
Classification: Uncertain significance for Familial cold autoinflammatory syndrome 3. Last evaluated: 2024-10-21. Review status: criteria provided, single submitter. Criteria: Invitae Variant Classification Sherloc (09022015). Collection method: clinical testing. Allele origin: germline.
Comment: This sequence change replaces lysine, which is basic and polar, with asparagine, which is neutral and polar, at codon 728 of the PLCG2 protein (p.Lys728Asn). This variant is not present in population databases (gnomAD no frequency). This variant has not been reported in the literature in individuals affected with PLCG2-related conditions. ClinVar contains an entry for this variant (Variation ID: 1422871). An algorithm developed to predict the effect of missense changes on protein structure and function (PolyPhen-2) suggests that this variant is likely to be disruptive. In summary, the available evidence is currently insufficient to determine the role of this variant in disease. Therefore, it has been classified as a Variant of Uncertain Significance.

Laboratorio de Genetica e Diagnostico Molecular, Hospital Israelita Albert Einstein
Classification: Uncertain significance for Autoinflammation-PLCG2-associated antibody deficiency-immune dysregulation. Last evaluated: 2022-08-26. Review status: criteria provided, single submitter. Criteria: ACMG Guidelines, 2015. Collection method: clinical testing. Allele origin: germline. Affected: yes. Observed: 1 variant allele.
Comment: ACMG classification criteria: PM2 moderated, BP4 supporting

NM_002661.5(PLCG2):c.2184G>C (p.Lys728Asn)

Gene: PLCG2 (phospholipase C gamma 2; plus strand). Cytogenetic location: 16q23.3.
Variant type: single nucleotide variant.
Coding change: c.2184G>C on transcript NM_002661.5 (MANE Select); coding-DNA position 2184, G replaced by C.
Protein change: p.Lys728Asn; replaces lysine 728 with asparagine.
Molecular consequence: missense variant.
Genome position (GRCh38, 1-based): chr16:81,919,613, G>C. VCF-style: chr16-81919613-G-C. GRCh37 (hg19) VCF-style: chr16-81953218-G-C.
Other names: short protein forms K728N.
Identifiers: ClinVar variation 1422871 (VCV001422871.8), dbSNP rs2143682822, ClinGen allele CA396902080.